The following is an entry in ClinVar:

ClinVar aggregate classification (germline): Uncertain significance. Review status: criteria provided, multiple submitters, no conflicts (2 of 4 stars). 2 submissions from 2 submitters: Uncertain significance (2). Last evaluated 2024-08-09.

Conditions:
Inborn genetic diseases. Identifiers: MedGen C0950123, MeSH D030342.

Allele frequency attached by ClinVar (database versions not stated): gnomAD exomes below 0.00001.
gnomAD v4.1: 1 of 1,614,004 alleles (0.000062%); highest among the groups gnomAD compares: Non-Finnish European, 0.000085%; no homozygotes.

Submissions (2):

Blueprint Genetics
Classification: Uncertain significance. Last evaluated: 2024-08-09. Review status: criteria provided, single submitter. Criteria: ACMG Guidelines, 2015. Collection method: clinical testing. Allele origin: germline.

Ambry Genetics
Classification: Uncertain significance for Inborn genetic diseases. Last evaluated: 2017-09-21. Review status: criteria provided, single submitter. Criteria: Ambry Variant Classification Scheme 2023. Collection method: clinical testing. Allele origin: germline.
Comment: The p.P328T variant (also known as c.982C>A), located in coding exon 6 of the POGZ gene, results from a C to A substitution at nucleotide position 982. The proline at codon 328 is replaced by threonine, an amino acid with highly similar properties. This amino acid position is highly conserved in available vertebrate species. In addition, this alteration is predicted to be tolerated by in silico analysis. Since supporting evidence is limited at this time, the clinical significance of this alteration remains unclear.

NM_015100.4(POGZ):c.982C>A (p.Pro328Thr)

Gene: POGZ (pogo transposable element derived with ZNF domain; minus strand). Cytogenetic location: 1q21.3.
Variant type: single nucleotide variant.
Coding change: c.982C>A on transcript NM_015100.4 (MANE Select); coding-DNA position 982, C replaced by A.
Protein change: p.Pro328Thr; replaces proline 328 with threonine.
Molecular consequence: missense variant.
Genome position (GRCh38, 1-based): chr1:151,427,919, G>T on the plus strand (C>A on the coding strand, the complement: POGZ is on the minus strand). VCF-style: chr1-151427919-G-T. GRCh37 (hg19) VCF-style: chr1-151400395-G-T.
Other names: c.955C>A, p.Pro319Thr (NM_001194937.2); c.796C>A, p.Pro266Thr (NM_001194938.2); c.1003C>A, p.Pro335Thr (NM_001410860.1); c.697C>A, p.Pro233Thr (NM_145796.4); c.823C>A, p.Pro275Thr (NM_207171.2); short protein forms P233T, P328T, P335T, P275T, P319T, P266T.
Identifiers: ClinVar variation 1768335 (VCV001768335.3), dbSNP rs2529498464, ClinGen allele CA341975933.
Genomic context (GRCh38, chr1:151,427,919, plus strand): 5'-AGCCATGAGCAGAGCTGTTGTTGGACACCACCACTGGCCCAGGACTCTGGCCCAGGGAAG[G>T]GATGGTGTTAAGGGTATTCACCAATTTGGCCACTTCATTGCTATTTTCGCCTGTAACACC-3'
Protein context (NP_055915.2, residues 318-338): AKLVNTLNTI[Pro328Thr]SLGQSPGPVV